The following is an entry in ClinVar:

ClinVar aggregate classification (germline): Uncertain significance (1 of 4 stars; one submission).

Conditions:
Thrombophilia due to protein S deficiency, autosomal recessive (THPH6). Identifiers: Orphanet 743, MedGen C3281092, MONDO:0013791, OMIM 614514. Disease mechanism: loss of function.

Submission:

Labcorp Genetics (formerly Invitae), Labcorp
Classification: Uncertain significance for Thrombophilia due to protein S deficiency, autosomal recessive. Last evaluated: 2024-05-09. Review status: criteria provided, single submitter. Criteria: Invitae Variant Classification Sherloc (09022015). Collection method: clinical testing. Allele origin: germline.
Comment: This sequence change replaces tyrosine, which is neutral and polar, with cysteine, which is neutral and slightly polar, at codon 497 of the PROS1 protein (p.Tyr497Cys). This variant is not present in population databases (gnomAD no frequency). This missense change has been observed in individual(s) with clinical features of PROS1-related conditions (PMID: 18242167). This variant is also known as p.Tyr456Cys. An algorithm developed to predict the effect of missense changes on protein structure and function (PolyPhen-2) suggests that this variant is likely to be disruptive. In summary, the available evidence is currently insufficient to determine the role of this variant in disease. Therefore, it has been classified as a Variant of Uncertain Significance.

Literature cited by the submitters: PubMed 18242167.

NM_000313.4(PROS1):c.1490A>G (p.Tyr497Cys)

Gene: PROS1 (protein S; minus strand). Cytogenetic location: 3q11.1.
Variant type: single nucleotide variant.
Coding change: c.1490A>G on transcript NM_000313.4 (MANE Select); coding-DNA position 1490, A replaced by G.
Protein change: p.Tyr497Cys; replaces tyrosine 497 with cysteine.
Molecular consequence: missense variant.
Genome position (GRCh38, 1-based): chr3:93,884,730, T>C on the plus strand (A>G on the coding strand, the complement: PROS1 is on the minus strand). VCF-style: chr3-93884730-T-C. GRCh37 (hg19) VCF-style: chr3-93603574-T-C.
Other names: c.1586A>G, p.Tyr529Cys (NM_001314077.2); short protein forms Y497C, Y529C.
Identifiers: ClinVar variation 2734545 (VCV002734545.3), dbSNP rs2472114971, ClinGen allele CA353667500.
Genomic context (GRCh38, chr3:93,884,730, plus strand): 5'-GTTAATGAATAAATTTACTCATTAATGAGAAAATAGAGATAAATGGAAAATCACTTACTA[T>C]AATCTATGTGAAATTGAGCAATTCCAGAACCAGGATAGTAGGAGCCCTTCTCCACAGTAA-3'
Protein context (NP_000304.2, residues 487-507): GSGIAQFHID[Tyr497Cys]NNVSSAEGWH